The following is an entry in ClinVar:

NM_001098671.2(RASGRP2):c.972del (p.Ala325fs)

Gene: RASGRP2 (RAS guanyl releasing protein 2; minus strand). Cytogenetic location: 11q13.1.
Variant type: Deletion.
Coding change: c.972del on transcript NM_001098671.2 (MANE Select); coding-DNA position 972, one base deleted (A; older notation c.972delA).
Protein change: p.Ala325fs; shifts the reading frame from alanine 325.
Molecular consequence: frameshift variant.
Genome position (GRCh38, 1-based): chr11:64,736,876, T deleted on the plus strand (A on the coding strand, the reverse complement: RASGRP2 is on the minus strand). VCF-style (leftmost placement, unchanged base first): chr11-64736875-CT-C. GRCh37 (hg19) VCF-style: chr11-64504347-CT-C.
Other names: c.972del, p.Ala325fs (NM_001098670.2, NM_001440690.1, NM_001440691.1 and 9 more transcripts); c.537del, p.Ala180fs (NM_001318398.2); c.969del, p.Ala324fs (NM_001440700.1, NM_001440701.1, NM_001440702.1); c.1059del, p.Ala354fs (NM_001440703.1, NM_001440704.1); c.1056del, p.Ala353fs (NM_001440705.1); short protein forms A324fs, A325fs, A353fs, A180fs, A354fs.
Identifiers: ClinVar variation 4728966 (VCV004728966.1).

ClinVar aggregate classification (germline): Pathogenic (1 of 4 stars; one submission).

Submission:

Labcorp Genetics (formerly Invitae), Labcorp
Classification: Pathogenic. Last evaluated: 2025-10-17. Review status: criteria provided, single submitter. Criteria: Invitae Variant Classification Sherloc (09022015). Collection method: clinical testing. Allele origin: germline.
Comment: This sequence change creates a premature translational stop signal (p.Ala325Profs*10) in the RASGRP2 gene. It is expected to result in an absent or disrupted protein product. Loss-of-function variants in RASGRP2 are known to be pathogenic (PMID: 27235135, 27663674). This variant is not present in population databases (gnomAD no frequency). This variant has not been reported in the literature in individuals affected with RASGRP2-related conditions. For these reasons, this variant has been classified as Pathogenic.

Literature cited by the submitters: PubMed 27235135; PubMed 27663674.